The following is an entry in ClinVar:

ClinVar aggregate classification (germline): Uncertain significance (1 of 4 stars; one submission).

Allele frequency attached by ClinVar (database versions not stated): gnomAD exomes below 0.00001.
gnomAD v4.1: 4 of 1,614,110 alleles (0.00025%); highest among the groups gnomAD compares: South Asian, 0.0011%; no homozygotes.

Submission:

Ambry Genetics
Classification: Uncertain significance. Last evaluated: 2024-04-11. Review status: criteria provided, single submitter. Criteria: Ambry Variant Classification Scheme 2023. Collection method: clinical testing. Allele origin: germline.
Comment: The p.Y830H variant (also known as c.2488T>C), located in coding exon 4 of the ALPK2 gene, results from a T to C substitution at nucleotide position 2488. The tyrosine at codon 830 is replaced by histidine, an amino acid with similar properties. This amino acid position is conserved. In addition, this alteration is predicted to be tolerated by in silico analysis. Since supporting evidence is limited at this time, the clinical significance of this alteration remains unclear.

NM_052947.4(ALPK2):c.2488T>C (p.Tyr830His)

Gene: ALPK2 (alpha kinase 2; minus strand). Cytogenetic location: 18q21.31.
Variant type: single nucleotide variant.
Coding change: c.2488T>C on transcript NM_052947.4 (MANE Select); coding-DNA position 2488, T replaced by C.
Protein change: p.Tyr830His; replaces tyrosine 830 with histidine.
Molecular consequence: missense variant.
Genome position (GRCh38, 1-based): chr18:58,537,699, A>G on the plus strand (T>C on the coding strand, the complement: ALPK2 is on the minus strand). VCF-style: chr18-58537699-A-G. GRCh37 (hg19) VCF-style: chr18-56204931-A-G.
Other names: short protein forms Y830H.
Identifiers: ClinVar variation 1792024 (VCV001792024.3), dbSNP rs775906771, ClinGen allele CA402570425.